The following is an entry in ClinVar:

ClinVar aggregate classification (germline): Uncertain significance (1 of 4 stars; one submission).

Conditions:
Wiskott-Aldrich syndrome 2 (WAS2). Also called: WIPF1 DEFICIENCY. Identifiers: Orphanet 906, MedGen C3281001, MONDO:0013779, OMIM 614493.

Allele frequency attached by ClinVar (database versions not stated): TOPMed below 0.00001; gnomAD 0.00001; gnomAD exomes 0.00002.
gnomAD v4.1: 16 of 1,614,022 alleles (0.00099%); highest among the groups gnomAD compares: Non-Finnish European, 0.0014%; no homozygotes.

Submission:

Labcorp Genetics (formerly Invitae), Labcorp
Classification: Uncertain significance for Wiskott-Aldrich syndrome 2. Last evaluated: 2020-01-31. Review status: criteria provided, single submitter. Criteria: Invitae Variant Classification Sherloc (09022015). Collection method: clinical testing. Allele origin: germline.
Comment: In summary, the available evidence is currently insufficient to determine the role of this variant in disease. Therefore, it has been classified as a Variant of Uncertain Significance. Algorithms developed to predict the effect of missense changes on protein structure and function are either unavailable or do not agree on the potential impact of this missense change (SIFT: "Not Available"; PolyPhen-2: "Probably Damaging"; Align-GVGD: "Not Available"). This variant has not been reported in the literature in individuals with WIPF1-related conditions. This variant is not present in population databases (ExAC no frequency). This sequence change replaces glycine with aspartic acid at codon 494 of the WIPF1 protein (p.Gly494Asp). The glycine residue is highly conserved and there is a moderate physicochemical difference between glycine and aspartic acid.

NM_001375834.1(WIPF1):c.1481G>A (p.Gly494Asp)

Gene: WIPF1 (WAS/WASL interacting protein family member 1; minus strand). Cytogenetic location: 2q31.1.
Variant type: single nucleotide variant.
Coding change: c.1481G>A on transcript NM_001375834.1 (MANE Select); coding-DNA position 1481, G replaced by A.
Protein change: p.Gly494Asp; replaces glycine 494 with aspartic acid.
Molecular consequence: missense variant.
Genome position (GRCh38, 1-based): chr2:174,562,578, C>T on the plus strand (G>A on the coding strand, the complement: WIPF1 is on the minus strand). VCF-style: chr2-174562578-C-T. GRCh37 (hg19) VCF-style: chr2-175427306-C-T.
Other names: c.1481G>A, p.Gly494Asp (NM_001077269.1, NM_001375832.1, NM_001375833.1 and 2 more transcripts); c.1103G>A, p.Gly368Asp (NM_001375839.1); short protein forms G368D, G494D.
Identifiers: ClinVar variation 1054813 (VCV001054813.6), dbSNP rs1423414500, ClinGen allele CA349334197.